The following is an entry in ClinVar:

ClinVar aggregate classification (germline): Uncertain significance (1 of 4 stars; one submission).

Submission:

GeneDx
Classification: Uncertain significance. Last evaluated: 2024-03-06. Review status: criteria provided, single submitter. Criteria: GeneDx Variant Classification Process June 2021. Collection method: clinical testing. Allele origin: germline. Affected: yes.
Comment: Not observed at significant frequency in large population cohorts (gnomAD); In silico analysis supports that this missense variant has a deleterious effect on protein structure/function; Has not been previously published as pathogenic or benign to our knowledge

NM_000552.5(VWF):c.6713C>T (p.Pro2238Leu)

Gene: VWF (von Willebrand factor; minus strand). Cytogenetic location: 12p13.31.
Variant type: single nucleotide variant.
Coding change: c.6713C>T on transcript NM_000552.5 (MANE Select); coding-DNA position 6713, C replaced by T.
Protein change: p.Pro2238Leu; replaces proline 2238 with leucine.
Molecular consequence: missense variant.
Genome position (GRCh38, 1-based): chr12:5,991,904, G>A on the plus strand (C>T on the coding strand, the complement: VWF is on the minus strand). VCF-style: chr12-5991904-G-A. GRCh37 (hg19) VCF-style: chr12-6101070-G-A.
Other names: short protein forms P2238L.
Identifiers: ClinVar variation 3373524 (VCV003373524.1).